The following is an entry in ClinVar:

NM_001130144.3(LTBP3):c.463G>A (p.Gly155Ser)

Gene: LTBP3 (latent transforming growth factor beta binding protein 3; minus strand). Cytogenetic location: 11q13.1.
Variant type: single nucleotide variant.
Coding change: c.463G>A on transcript NM_001130144.3 (MANE Select); coding-DNA position 463, G replaced by A.
Protein change: p.Gly155Ser; replaces glycine 155 with serine.
Molecular consequence: missense variant.
Genome position (GRCh38, 1-based): chr11:65,554,249, C>T on the plus strand (G>A on the coding strand, the complement: LTBP3 is on the minus strand). VCF-style: chr11-65554249-C-T. GRCh37 (hg19) VCF-style: chr11-65321720-C-T.
Other names: c.112G>A, p.Gly38Ser (NM_001164266.1); c.463G>A, p.Gly155Ser (NM_021070.4); short protein forms G155S, G38S.
Identifiers: ClinVar variation 4715238 (VCV004715238.1).

ClinVar aggregate classification (germline): Uncertain significance (1 of 4 stars; one submission).

Conditions:
Brachyolmia-amelogenesis imperfecta syndrome. Also called: PLATYSPONDYLY WITH AMELOGENESIS IMPERFECTA; Tooth agenesis, selective, 6; Dental anomalies and short stature. Identifiers: Orphanet 2899, MedGen C1832594, MONDO:0011018, OMIM 601216. Disease mechanism: loss of function.

Submission:

Labcorp Genetics (formerly Invitae), Labcorp
Classification: Uncertain significance for Brachyolmia-amelogenesis imperfecta syndrome. Last evaluated: 2025-03-16. Review status: criteria provided, single submitter. Criteria: Invitae Variant Classification Sherloc (09022015). Collection method: clinical testing. Allele origin: germline.
Comment: This sequence change replaces glycine, which is neutral and non-polar, with serine, which is neutral and polar, at codon 155 of the LTBP3 protein (p.Gly155Ser). This variant is not present in population databases (gnomAD no frequency). This variant has not been reported in the literature in individuals affected with LTBP3-related conditions. An algorithm developed to predict the effect of missense changes on protein structure and function (PolyPhen-2) suggests that this variant is likely to be disruptive. In summary, the available evidence is currently insufficient to determine the role of this variant in disease. Therefore, it has been classified as a Variant of Uncertain Significance.